The following is an entry in ClinVar:

ClinVar aggregate classification (germline): Uncertain significance. Review status: criteria provided, multiple submitters, no conflicts (2 of 4 stars). 4 submissions from 4 submitters: Uncertain significance (4). Last evaluated 2025-12-03.

Conditions:
Hereditary cancer-predisposing syndrome. Also called: Tumor predisposition; Hereditary neoplastic syndrome; Hereditary Cancer Syndrome; Neoplastic Syndromes, Hereditary. Identifiers: Orphanet 140162, MedGen C0027672, MeSH D009386, MONDO:0015356.
Birt-Hogg-Dube syndrome. Also called: Birt Hogg Dubé syndrome. Identifiers: Orphanet 122, MedGen C0346010, MONDO:0800444.

Allele frequency attached by ClinVar (database versions not stated): gnomAD exomes below 0.00001.

Submissions (4):

Labcorp Genetics (formerly Invitae), Labcorp
Classification: Uncertain significance for Birt-Hogg-Dube syndrome. Last evaluated: 2025-12-03. Review status: criteria provided, single submitter. Criteria: Invitae Variant Classification Sherloc (09022015). Collection method: clinical testing. Allele origin: germline.
Comment: This sequence change replaces proline, which is neutral and non-polar, with threonine, which is neutral and polar, at codon 39 of the FLCN protein (p.Pro39Thr). This variant is present in population databases (no rsID available, gnomAD no frequency). This variant has not been reported in the literature in individuals affected with FLCN-related conditions. ClinVar contains an entry for this variant (Variation ID: 409408). An algorithm developed to predict the effect of missense changes on protein structure and function (PolyPhen-2) suggests that this variant is likely to be tolerated. In summary, the available evidence is currently insufficient to determine the role of this variant in disease. Therefore, it has been classified as a Variant of Uncertain Significance.

GeneDx
Classification: Uncertain significance. Last evaluated: 2024-01-02. Review status: criteria provided, single submitter. Criteria: GeneDx Variant Classification Process June 2021. Collection method: clinical testing. Allele origin: germline. Affected: yes.
Comment: Not observed at significant frequency in large population cohorts (gnomAD); In silico analysis supports that this missense variant does not alter protein structure/function; Has not been previously published as pathogenic or benign to our knowledge

Ambry Genetics
Classification: Uncertain significance for Hereditary cancer-predisposing syndrome. Last evaluated: 2023-09-25. Review status: criteria provided, single submitter. Criteria: Ambry Variant Classification Scheme 2023. Collection method: clinical testing. Allele origin: germline.
Comment: The p.P39T variant (also known as c.115C>A), located in coding exon 1 of the FLCN gene, results from a C to A substitution at nucleotide position 115. The proline at codon 39 is replaced by threonine, an amino acid with highly similar properties. This amino acid position is not well conserved in available vertebrate species. In addition, this alteration is predicted to be tolerated by in silico analysis. Since supporting evidence is limited at this time, the clinical significance of this alteration remains unclear.

CeGaT Center for Human Genetics Tuebingen
Classification: Uncertain significance. Last evaluated: 2023-01-01. Review status: criteria provided, single submitter. Criteria: CeGaT Center For Human Genetics Tuebingen Variant Classification Criteria Version 2. Collection method: clinical testing. Allele origin: germline. Affected: yes. Observed: 1 variant allele.
Comment: FLCN: PM2, BP4

NM_144997.7(FLCN):c.115C>A (p.Pro39Thr)

Gene: FLCN (folliculin; minus strand). Cytogenetic location: 17p11.2.
Variant type: single nucleotide variant.
Coding change: c.115C>A on transcript NM_144997.7 (MANE Select); coding-DNA position 115, C replaced by A.
Protein change: p.Pro39Thr; replaces proline 39 with threonine.
Molecular consequence: missense variant.
Genome position (GRCh38, 1-based): chr17:17,228,023, G>T on the plus strand (C>A on the coding strand, the complement: FLCN is on the minus strand). VCF-style: chr17-17228023-G-T. GRCh37 (hg19) VCF-style: chr17-17131337-G-T.
Other names: c.115C>A (LRG_325t1); c.115C>A, p.Pro39Thr (NM_001353229.2, NM_001353230.2, NM_001353231.2 and 1 more transcripts); short protein forms P39T.
Identifiers: ClinVar variation 409408 (VCV000409408.34), dbSNP rs1060502375, ClinGen allele CA16615393.
Genomic context (GRCh38, chr17:17,228,023, plus strand): 5'-GCATCCGACTGTTCATCTGAATGCCACCTTCCTCTTCTTCCGCCTGCTCACCCTGGCCAG[G>T]ACTGTCCTCATTCCCATCCCCTTGAGGAAGTGGGGCGTGCAGCACCTCCGTGCAGAAGAG-3'
Protein context (NP_659434.2, residues 29-49): LPQGDGNEDS[Pro39Thr]GQGEQAEEEE